The following is an entry in ClinVar:

NM_004698.4(PRPF3):c.1027C>T (p.Arg343Trp)

Gene: PRPF3 (pre-mRNA processing factor 3; plus strand). Cytogenetic location: 1q21.2.
Variant type: single nucleotide variant.
Coding change: c.1027C>T on transcript NM_004698.4 (MANE Select); coding-DNA position 1027, C replaced by T.
Protein change: p.Arg343Trp; replaces arginine 343 with tryptophan.
Molecular consequence: missense variant. On other transcripts: non-coding transcript variant (4).
Genome position (GRCh38, 1-based): chr1:150,335,233, C>T. VCF-style: chr1-150335233-C-T. GRCh37 (hg19) VCF-style: chr1-150307704-C-T.
Other names: c.622C>T, p.Arg208Trp (NM_001350529.1); short protein forms R343W, R208W.
Identifiers: ClinVar variation 2920159 (VCV002920159.3), dbSNP rs1553867015, ClinGen allele CA342295052.

ClinVar aggregate classification (germline): Uncertain significance (1 of 4 stars; one submission).

Allele frequency attached by ClinVar (database versions not stated): gnomAD exomes below 0.00001; TOPMed 0.00001.
gnomAD v4.1: 4 of 1,613,632 alleles (0.00025%); highest among the groups gnomAD compares: South Asian, 0.0011%; no homozygotes.

Submission:

Labcorp Genetics (formerly Invitae), Labcorp
Classification: Uncertain significance. Last evaluated: 2023-02-16. Review status: criteria provided, single submitter. Criteria: Invitae Variant Classification Sherloc (09022015). Collection method: clinical testing. Allele origin: germline.
Comment: In summary, the available evidence is currently insufficient to determine the role of this variant in disease. Therefore, it has been classified as a Variant of Uncertain Significance. Advanced modeling of protein sequence and biophysical properties (such as structural, functional, and spatial information, amino acid conservation, physicochemical variation, residue mobility, and thermodynamic stability) performed at Invitae indicates that this missense variant is expected to disrupt PRPF3 protein function. This variant has not been reported in the literature in individuals affected with PRPF3-related conditions. The frequency data for this variant in the population databases is considered unreliable, as metrics indicate poor data quality at this position in the gnomAD database. This sequence change replaces arginine, which is basic and polar, with tryptophan, which is neutral and slightly polar, at codon 343 of the PRPF3 protein (p.Arg343Trp).